The following is an entry in ClinVar:

ClinVar aggregate classification (germline): Uncertain significance (1 of 4 stars; one submission).

Submission:

Labcorp Genetics (formerly Invitae), Labcorp
Classification: Uncertain significance. Last evaluated: 2025-01-27. Review status: criteria provided, single submitter. Criteria: Invitae Variant Classification Sherloc (09022015). Collection method: clinical testing. Allele origin: germline.
Comment: This sequence change replaces serine, which is neutral and polar, with asparagine, which is neutral and polar, at codon 674 of the ARID1A protein (p.Ser674Asn). This variant is not present in population databases (gnomAD no frequency). This variant has not been reported in the literature in individuals affected with ARID1A-related conditions. ClinVar contains an entry for this variant (Variation ID: 2762547). Invitae Evidence Modeling of protein sequence and biophysical properties (such as structural, functional, and spatial information, amino acid conservation, physicochemical variation, residue mobility, and thermodynamic stability) indicates that this missense variant is expected to disrupt ARID1A protein function with a positive predictive value of 80%. In summary, the available evidence is currently insufficient to determine the role of this variant in disease. Therefore, it has been classified as a Variant of Uncertain Significance.

NM_006015.6(ARID1A):c.2021G>A (p.Ser674Asn)

Gene: ARID1A (AT-rich interaction domain 1A; plus strand). Cytogenetic location: 1p36.11.
Variant type: single nucleotide variant.
Coding change: c.2021G>A on transcript NM_006015.6 (MANE Select); coding-DNA position 2021, G replaced by A.
Protein change: p.Ser674Asn; replaces serine 674 with asparagine.
Molecular consequence: missense variant.
Genome position (GRCh38, 1-based): chr1:26,760,956, G>A. VCF-style: chr1-26760956-G-A. GRCh37 (hg19) VCF-style: chr1-27087447-G-A.
Other names: c.2021G>A, p.Ser674Asn (NM_139135.4); short protein forms S674N.
Identifiers: ClinVar variation 2762547 (VCV002762547.3), dbSNP rs2124055147, ClinGen allele CA339152706.